The following is an entry in ClinVar:

NM_015295.3(SMCHD1):c.5879-5_5894dup

Gene: SMCHD1 (structural maintenance of chromosomes flexible hinge domain containing 1; plus strand). Cytogenetic location: 18p11.32.
Variant type: Duplication.
Coding change: c.5879-5_5894dup on transcript NM_015295.3 (MANE Select); 5 bases into the intron before coding-DNA position 5879 through coding-DNA position 5894, 21 bases duplicated (CACAGGTATGACTCCCATACG).
Molecular consequence: splice acceptor variant.
Genome position (GRCh38, 1-based): chr18:2,796,402-2,796,422, CACAGGTATGACTCCCATACG duplicated. VCF-style (leftmost placement, unchanged base first): chr18-2796401-T-TCACAGGTATGACTCCCATACG. GRCh37 (hg19) VCF-style: chr18-2796399-T-TCACAGGTATGACTCCCATACG.
Identifiers: ClinVar variation 499861 (VCV000499861.6), dbSNP rs1282620693, ClinGen allele CA628047431.

ClinVar aggregate classification (germline): Uncertain significance. Review status: criteria provided, multiple submitters, no conflicts (2 of 4 stars). 2 submissions from 2 submitters: Uncertain significance (2). Last evaluated 2025-10-21.

Conditions:
Facioscapulohumeral muscular dystrophy 2 (FSHD2). Also called: MUSCULAR DYSTROPHY, FACIOSCAPULOHUMERAL, TYPE 1B; FACIOSCAPULOHUMERAL MUSCULAR DYSTROPHY 2, DIGENIC; FSHD2, DIGENIC. Identifiers: Orphanet 269, MedGen C1834671, MONDO:0008031, OMIM 158901.

Allele frequency attached by ClinVar (database versions not stated): gnomAD exomes below 0.00001; TOPMed 0.00001.

Submissions (2):

Labcorp Genetics (formerly Invitae), Labcorp
Classification: Uncertain significance for Facioscapulohumeral muscular dystrophy 2. Last evaluated: 2025-10-21. Review status: criteria provided, single submitter. Criteria: Invitae Variant Classification Sherloc (09022015). Collection method: clinical testing. Allele origin: germline.
Comment: This sequence change falls in intron 46 of the SMCHD1 gene. It does not directly change the encoded amino acid sequence of the SMCHD1 protein. This variant is not present in population databases (gnomAD no frequency). This variant has not been reported in the literature in individuals affected with SMCHD1-related conditions. This variant is also known as c.5879-5_5894dup (p.Arg1965_Lys1966insThrGlyMetThrProIleArg). ClinVar contains an entry for this variant (Variation ID: 499861). Experimental studies and prediction algorithms are not available or were not evaluated, and the effect of this variant on mRNA splicing is currently unknown. In summary, the available evidence is currently insufficient to determine the role of this variant in disease. Therefore, it has been classified as a Variant of Uncertain Significance.

Eurofins Ntd Llc (ga)
Classification: Uncertain significance. Last evaluated: 2017-01-11. Review status: criteria provided, single submitter. Criteria: EGL Classification Definitions 2015. Collection method: clinical testing. Allele origin: germline. Observed: 1 variant allele, 1 heterozygote.